The following is an entry in ClinVar:

ClinVar aggregate classification (germline): Uncertain significance (1 of 4 stars; one submission).

Conditions:
Microphthalmia, isolated, with coloboma 6 (MCOPCB6). Also called: MICROPHTHALMIA/COLOBOMA 6; Microphthalmia with coloboma 6, digenic; Microphthalmia with coloboma 6. Identifiers: Orphanet 98938, MedGen C3150968, MONDO:0013376, OMIM 613703.
Isolated microphthalmia 4. Identifiers: Orphanet 2542, MedGen C2751307, MONDO:0013130, OMIM 613094.
Klippel-Feil syndrome 1, autosomal dominant (KFS1). Also called: CERVICAL VERTEBRAL FUSION, AUTOSOMAL DOMINANT. Identifiers: Orphanet 2345, MedGen C1861689, MONDO:0007306, OMIM 118100.
Leber congenital amaurosis 17 (LCA17). Identifiers: Orphanet 65, MedGen C3715164, MONDO:0014145, OMIM 615360.

Allele frequency attached by ClinVar (database versions not stated): TOPMed 0.00002; ExAC 0.00008; gnomAD 0.00001; gnomAD exomes 0.00002.
gnomAD v4.1: 43 of 1,499,082 alleles (0.0029%); highest among the groups gnomAD compares: Non-Finnish European, 0.0032%; no homozygotes.

Submission:

Labcorp Genetics (formerly Invitae), Labcorp
Classification: Uncertain significance for Isolated microphthalmia 4; Leber congenital amaurosis 17; Klippel-Feil syndrome 1, autosomal dominant; Microphthalmia, isolated, with coloboma 6. Last evaluated: 2025-09-30. Review status: criteria provided, single submitter. Criteria: Invitae Variant Classification Sherloc (09022015). Collection method: clinical testing. Allele origin: germline.
Comment: This sequence change replaces proline, which is neutral and non-polar, with leucine, which is neutral and non-polar, at codon 255 of the GDF6 protein (p.Pro255Leu). The frequency data for this variant in the population databases is considered unreliable, as metrics indicate poor data quality at this position in the gnomAD database. This variant has not been reported in the literature in individuals affected with GDF6-related conditions. ClinVar contains an entry for this variant (Variation ID: 1063507). Invitae Evidence Modeling of protein sequence and biophysical properties (such as structural, functional, and spatial information, amino acid conservation, physicochemical variation, residue mobility, and thermodynamic stability) indicates that this missense variant is not expected to disrupt GDF6 protein function with a negative predictive value of 80%. In summary, the available evidence is currently insufficient to determine the role of this variant in disease. Therefore, it has been classified as a Variant of Uncertain Significance.

NM_001001557.4(GDF6):c.764C>T (p.Pro255Leu)

Gene: GDF6 (growth differentiation factor 6; minus strand). Cytogenetic location: 8q22.1.
Variant type: single nucleotide variant.
Coding change: c.764C>T on transcript NM_001001557.4 (MANE Select); coding-DNA position 764, C replaced by T.
Protein change: p.Pro255Leu; replaces proline 255 with leucine.
Molecular consequence: missense variant.
Genome position (GRCh38, 1-based): chr8:96,145,167, G>A on the plus strand (C>T on the coding strand, the complement: GDF6 is on the minus strand). VCF-style: chr8-96145167-G-A. GRCh37 (hg19) VCF-style: chr8-97157395-G-A.
Other names: short protein forms P255L.
Identifiers: ClinVar variation 1063507 (VCV001063507.9), dbSNP rs762654952, ClinGen allele CA4815411.